The following is an entry in ClinVar:

NM_007118.4(TRIO):c.1146G>A (p.Thr382=)

Gene: TRIO (trio Rho guanine nucleotide exchange factor; plus strand). Cytogenetic location: 5p15.2.
Variant type: single nucleotide variant.
Coding change: c.1146G>A on transcript NM_007118.4 (MANE Select); coding-DNA position 1146, G replaced by A.
Protein change: p.Thr382=; no amino-acid change (threonine 382 retained).
Molecular consequence: synonymous variant. On other transcripts: non-coding transcript variant (1).
Genome position (GRCh38, 1-based): chr5:14,293,104, G>A. VCF-style: chr5-14293104-G-A. GRCh37 (hg19) VCF-style: chr5-14293213-G-A.
Identifiers: ClinVar variation 4873193 (VCV004873193.2).

ClinVar aggregate classification (germline): Likely benign (1 of 4 stars; one submission).

gnomAD v4.1: 95 of 1,614,064 alleles (0.0059%); highest among the groups gnomAD compares: Non-Finnish European, 0.0074%; no homozygotes.

Submission:

CeGaT Center for Human Genetics Tuebingen
Classification: Likely benign. Last evaluated: 2026-04-01. Review status: criteria provided, single submitter. Criteria: CeGaT Center For Human Genetics Tuebingen Variant Classification Criteria Version 2. Collection method: clinical testing. Allele origin: germline. Affected: yes. Observed: 1 variant allele.
Comment: TRIO: BP4, BP7